The following is an entry in ClinVar:

NM_015450.3(POT1):c.1204C>T (p.Gln402Ter)

Gene: POT1 (protection of telomeres 1; minus strand). Cytogenetic location: 7q31.33.
Variant type: single nucleotide variant.
Coding change: c.1204C>T on transcript NM_015450.3 (MANE Select); coding-DNA position 1204, C replaced by T.
Protein change: p.Gln402Ter; replaces glutamine 402 with a stop codon.
Molecular consequence: nonsense. On other transcripts: non-coding transcript variant (3).
Genome position (GRCh38, 1-based): chr7:124,841,138, G>A on the plus strand (C>T on the coding strand, the complement: POT1 is on the minus strand). VCF-style: chr7-124841138-G-A. GRCh37 (hg19) VCF-style: chr7-124481192-G-A.
Other names: c.811C>T, p.Gln271Ter (NM_001042594.2); short protein forms Q271*, Q402*.
Identifiers: ClinVar variation 5027170 (VCV005027170.1).

ClinVar aggregate classification (germline): Pathogenic (1 of 4 stars; one submission).

Conditions:
Hereditary cancer-predisposing syndrome. Also called: Neoplastic Syndromes, Hereditary; Tumor predisposition; Hereditary neoplastic syndrome; Hereditary Cancer Syndrome. Identifiers: Orphanet 140162, MedGen C0027672, MeSH D009386, MONDO:0015356.

Submission:

Ambry Genetics
Classification: Pathogenic for Hereditary cancer-predisposing syndrome. Last evaluated: 2026-06-23. Review status: criteria provided, single submitter. Criteria: Ambry Variant Classification Scheme 2023. Collection method: clinical testing. Allele origin: germline.
Comment: The p.Q402* pathogenic mutation (also known as c.1204C>T), located in coding exon 10 of the POT1 gene, results from a C to T substitution at nucleotide position 1204. This changes the amino acid from a glutamine to a stop codon within coding exon 10. This variant is considered to be rare based on population cohorts in the Genome Aggregation Database (gnomAD). This variant is expected to result in loss of function by premature protein truncation or nonsense-mediated mRNA decay. As such, this alteration is interpreted as a disease-causing mutation.